The following is an entry in ClinVar:

ClinVar aggregate classification (germline): Uncertain significance (1 of 4 stars; one submission).

Allele frequency attached by ClinVar (database versions not stated): gnomAD exomes below 0.00001; TOPMed below 0.00001; gnomAD 0.00001.
gnomAD v4.1: 1 of 1,613,812 alleles (0.000062%); highest among the groups gnomAD compares: African/African-American, 0.0013%; no homozygotes.

Submission:

GeneDx
Classification: Uncertain significance. Last evaluated: 2020-02-14. Review status: criteria provided, single submitter. Criteria: GeneDx Variant Classification Process June 2021. Collection method: clinical testing. Allele origin: germline. Affected: yes.
Comment: Missense variants in this gene are often considered pathogenic (Stenson et al., 2014); In silico analysis supports that this missense variant has a deleterious effect on protein structure/function; Has not been previously published as pathogenic or benign to our knowledge

NM_001614.5(ACTG1):c.913A>G (p.Met305Val)

Gene: ACTG1 (actin gamma 1; minus strand). Cytogenetic location: 17q25.3.
Variant type: single nucleotide variant.
Coding change: c.913A>G on transcript NM_001614.5 (MANE Select); coding-DNA position 913, A replaced by G.
Protein change: p.Met305Val; replaces methionine 305 with valine.
Molecular consequence: missense variant. On other transcripts: non-coding transcript variant (1).
Genome position (GRCh38, 1-based): chr17:81,510,998, T>C on the plus strand (A>G on the coding strand, the complement: ACTG1 is on the minus strand). VCF-style: chr17-81510998-T-C. GRCh37 (hg19) VCF-style: chr17-79478024-T-C.
Other names: c.913A>G, p.Met305Val (NM_001199954.3); short protein forms M305V.
Identifiers: ClinVar variation 1315428 (VCV001315428.2), dbSNP rs1555666484, ClinGen allele CA401459056.